The following is an entry in ClinVar:

NM_003803.4(MYOM1):c.1365G>T (p.Trp455Cys)

Gene: MYOM1 (myomesin 1; minus strand). Cytogenetic location: 18p11.31.
Variant type: single nucleotide variant.
Coding change: c.1365G>T on transcript NM_003803.4 (MANE Select); coding-DNA position 1365, G replaced by T.
Protein change: p.Trp455Cys; replaces tryptophan 455 with cysteine.
Molecular consequence: missense variant.
Genome position (GRCh38, 1-based): chr18:3,164,414, C>A on the plus strand (G>T on the coding strand, the complement: MYOM1 is on the minus strand). VCF-style: chr18-3164414-C-A. GRCh37 (hg19) VCF-style: chr18-3164412-C-A.
Other names: c.1365G>T, p.Trp455Cys (NM_019856.2); short protein forms W455C.
Identifiers: ClinVar variation 1364623 (VCV001364623.6), dbSNP rs374593777, ClinGen allele CA401715032.
Genomic context (GRCh38, chr18:3,164,414, plus strand): 5'-TTCTTTGTTGAGATGGGAAAATGTCAGCGTTGCCCGCTCTCCACTCCAAAGTGTTTGCAC[C>A]CATTTTGATGGAGAAAGAGGTACTCCTAGAAATATTTTAAAAGTAAGCAAATTAACTTAT-3'
Protein context (NP_003794.3, residues 445-465): RNGVPLSPSK[Trp455Cys]VQTLWSGERA

ClinVar aggregate classification (germline): Uncertain significance (1 of 4 stars; one submission).

Conditions:
Hypertrophic cardiomyopathy. Also called: HYPERTROPHIC MYOCARDIOPATHY. Identifiers: Orphanet 217569, MedGen C0007194, MeSH D002312, MONDO:0005045, HP:0001639.

Allele frequency attached by ClinVar (database versions not stated): 1000 Genomes Project 30x 0.00031.

Submission:

Labcorp Genetics (formerly Invitae), Labcorp
Classification: Uncertain significance for Hypertrophic cardiomyopathy. Last evaluated: 2025-11-24. Review status: criteria provided, single submitter. Criteria: Invitae Variant Classification Sherloc (09022015). Collection method: clinical testing. Allele origin: germline.
Comment: This sequence change replaces tryptophan, which is neutral and slightly polar, with cysteine, which is neutral and slightly polar, at codon 455 of the MYOM1 protein (p.Trp455Cys). This variant is not present in population databases (gnomAD no frequency). This variant has not been reported in the literature in individuals affected with MYOM1-related conditions. ClinVar contains an entry for this variant (Variation ID: 1364623). Invitae Evidence Modeling of protein sequence and biophysical properties (such as structural, functional, and spatial information, amino acid conservation, physicochemical variation, residue mobility, and thermodynamic stability) indicates that this missense variant is expected to disrupt MYOM1 protein function with a positive predictive value of 80%. In summary, the available evidence is currently insufficient to determine the role of this variant in disease. Therefore, it has been classified as a Variant of Uncertain Significance.